The following is an entry in ClinVar:

ClinVar aggregate classification (germline): Uncertain significance (1 of 4 stars; one submission).

gnomAD v4.1: 25 of 1,614,066 alleles (0.0015%); highest among the groups gnomAD compares: Admixed American, 0.02%; no homozygotes.

Submission:

Labcorp Genetics (formerly Invitae), Labcorp
Classification: Uncertain significance. Last evaluated: 2025-09-07. Review status: criteria provided, single submitter. Criteria: Invitae Variant Classification Sherloc (09022015). Collection method: clinical testing. Allele origin: germline.
Comment: This sequence change replaces arginine, which is basic and polar, with glutamine, which is neutral and polar, at codon 1557 of the DSCAML1 protein (p.Arg1557Gln). This variant is present in population databases (rs377397845, gnomAD 0.02%). This variant has not been reported in the literature in individuals affected with DSCAML1-related conditions. An algorithm developed to predict the effect of missense changes on protein structure and function (PolyPhen-2) suggests that this variant is likely to be disruptive. In summary, the available evidence is currently insufficient to determine the role of this variant in disease. Therefore, it has been classified as a Variant of Uncertain Significance.

NM_020693.4(DSCAML1):c.4490G>A (p.Arg1497Gln)

Gene: DSCAML1 (DS cell adhesion molecule like 1; minus strand). Cytogenetic location: 11q23.3.
Variant type: single nucleotide variant.
Coding change: c.4490G>A on transcript NM_020693.4 (MANE Select); coding-DNA position 4490, G replaced by A.
Protein change: p.Arg1497Gln; replaces arginine 1497 with glutamine.
Molecular consequence: missense variant.
Genome position (GRCh38, 1-based): chr11:117,437,352, C>T on the plus strand (G>A on the coding strand, the complement: DSCAML1 is on the minus strand). VCF-style: chr11-117437352-C-T. GRCh37 (hg19) VCF-style: chr11-117308068-C-T.
Other names: short protein forms R1497Q.
Identifiers: ClinVar variation 4699941 (VCV004699941.1).